The following is an entry in ClinVar:

NM_001243133.2(NLRP3):c.780A>G (p.Arg260=)

Gene: NLRP3 (NLR family pyrin domain containing 3; plus strand). Cytogenetic location: 1q44.
Variant type: single nucleotide variant.
Coding change: c.780A>G on transcript NM_001243133.2 (MANE Select); coding-DNA position 780, A replaced by G.
Protein change: p.Arg260=; no amino-acid change (arginine 260 retained).
Molecular consequence: synonymous variant.
Genome position (GRCh38, 1-based): chr1:247,424,229, A>G. VCF-style: chr1-247424229-A-G. GRCh37 (hg19) VCF-style: chr1-247587531-A-G.
Other names: c.780A>G, p.Arg260= (NM_001079821.3, NM_001127461.3, NM_001127462.3 and 1 more transcripts); c.786A>G, p.Arg262= (NM_004895.5).
Identifiers: ClinVar variation 403243 (VCV000403243.40), dbSNP rs4925543, ClinGen allele CA1494932.

ClinVar aggregate classification (germline): Benign. Review status: criteria provided, multiple submitters, no conflicts (2 of 4 stars). 13 submissions from 10 submitters: Benign (11). 2 of the submissions do not count toward it. Last evaluated 2026-02-04.

Conditions:
Keratitis fugax hereditaria. Also called: KERATOENDOTHELIITIS FUGAX HEREDITARIA. Identifiers: Orphanet 647815, MedGen C1835697, MONDO:0007849, OMIM 148200.
Cryopyrin associated periodic syndrome (CAPS). Identifiers: Orphanet 208650, MedGen C2316212, MONDO:0016168.
Chronic infantile neurological, cutaneous and articular syndrome (CINCA). Also called: CHRONIC NEUROLOGIC CUTANEOUS AND ARTICULAR SYNDROME; CRYOPYRIN-ASSOCIATED PERIODIC SYNDROME 3; CINCA syndrome; Prieur Griscelli syndrome. Identifiers: Orphanet 1451, MedGen C0409818, MONDO:0011776, OMIM 607115.
Familial cold autoinflammatory syndrome 1 (FCAS1). Also called: CRYOPYRIN-ASSOCIATED PERIODIC SYNDROME 1; Familial cold inflammatory syndrome 1. Identifiers: Orphanet 47045, MedGen C4551895, MONDO:0007349, OMIM 120100.
Familial amyloid nephropathy with urticaria AND deafness (MWS). Also called: UDA SYNDROME; URTICARIA-DEAFNESS-AMYLOIDOSIS SYNDROME; CRYOPYRIN-ASSOCIATED PERIODIC SYNDROME 2; MUCKLE-WELLS SYNDROME; Urticaria, deafness and amyloidosis. Identifiers: Orphanet 575, MedGen C0268390, MONDO:0008633, OMIM 191900.

Allele frequency attached by ClinVar (database versions not stated): 1000 Genomes Project 30x 0.91537; ESP Exome Variant Server 0.91881; 1000 Genomes Project 0.91993; TOPMed 0.92664; gnomAD 0.92770 and 0.92824; ExAC 0.94259; gnomAD exomes 0.95088.
gnomAD v4.1: 1,531,269 of 1,614,012 alleles (95%); highest among the groups gnomAD compares: East Asian, 100%; 727,245 homozygotes.

Submissions (13):

Labcorp Genetics (formerly Invitae), Labcorp
Classification: Benign for Cryopyrin associated periodic syndrome. Last evaluated: 2026-02-04. Review status: criteria provided, single submitter. Criteria: Invitae Variant Classification Sherloc (09022015). Collection method: clinical testing. Allele origin: germline.

Women's Health and Genetics/Laboratory Corporation of America, LabCorp
Classification: Benign. Last evaluated: 2026-01-21. Review status: criteria provided, single submitter. Criteria: LabCorp Variant Classification Summary - May 2015. Collection method: clinical testing. Allele origin: germline.

ARUP Laboratories, Molecular Genetics and Genomics, ARUP Laboratories
Classification: Benign. Last evaluated: 2025-07-30. Review status: criteria provided, single submitter. Criteria: ARUP Molecular Germline Variant Investigation Process 2024. Collection method: clinical testing. Allele origin: germline.

Blueprint Genetics
Classification: Benign. Last evaluated: 2024-11-26. Review status: criteria provided, single submitter. Criteria: ACMG Guidelines, 2015. Collection method: clinical testing. Allele origin: germline.

Unidad de Genómica Garrahan, Hospital de Pediatría Garrahan
Classification: Benign. Last evaluated: 2023-11-12. Review status: criteria provided, single submitter. Criteria: ACMG Guidelines, 2015. Collection method: clinical testing. Allele origin: germline. Affected: no. Observed: 95 variant alleles.
Comment: This variant is classified as Benign based on local population frequency. This variant was detected in 99% of patients studied by a panel of primary immunodeficiencies. Number of patients: 95. Only high quality variants are reported.

Genome-Nilou Lab
Classification: Benign for Familial cold autoinflammatory syndrome 1. Last evaluated: 2021-09-05. Review status: criteria provided, single submitter. Criteria: ACMG Guidelines, 2015. Collection method: clinical testing. Allele origin: germline. Affected: no.

Genome-Nilou Lab
Classification: Benign for Chronic infantile neurological, cutaneous and articular syndrome. Last evaluated: 2021-09-05. Review status: criteria provided, single submitter. Criteria: ACMG Guidelines, 2015. Collection method: clinical testing. Allele origin: germline. Affected: no.

Genome-Nilou Lab
Classification: Benign for Keratitis fugax hereditaria. Last evaluated: 2021-09-05. Review status: criteria provided, single submitter. Criteria: ACMG Guidelines, 2015. Collection method: clinical testing. Allele origin: germline. Affected: no.

Genome-Nilou Lab
Classification: Benign for Familial amyloid nephropathy with urticaria AND deafness. Last evaluated: 2021-09-05. Review status: criteria provided, single submitter. Criteria: ACMG Guidelines, 2015. Collection method: clinical testing. Allele origin: germline. Affected: no.

Laboratory for Molecular Medicine, Mass General Brigham Personalized Medicine
Classification: Benign. Last evaluated: 2016-03-28. Review status: criteria provided, single submitter. Criteria: LMM Criteria. Collection method: clinical testing. Allele origin: germline. Observed: 272 variant alleles.
Comment: Disclaimer: This variant has not undergone full assessment. The following are pr eliminary notes: Frequency

Breakthrough Genomics
Classification: Benign. Review status: criteria provided, single submitter. Criteria: ACMG Guidelines, 2015. Collection method: not provided. Allele origin: germline. Inheritance: Autosomal dominant inheritance. Affected: yes.

Diagnostic Laboratory, Department of Genetics, University Medical Center Groningen
Classification: Benign. Review status: no assertion criteria provided. Collection method: clinical testing. Allele origin: germline. Affected: yes. Study: VKGL Data-share Consensus. Not counted in ClinVar's aggregate classification.

Genome Diagnostics Laboratory, University Medical Center Utrecht
Classification: Benign. Review status: no assertion criteria provided. Collection method: clinical testing. Allele origin: germline. Affected: yes. Study: VKGL Data-share Consensus. Not counted in ClinVar's aggregate classification.